The following is an entry in ClinVar:

ClinVar aggregate classification (germline): Likely pathogenic (1 of 4 stars; one submission).

Submission:

GeneDx
Classification: Likely pathogenic. Last evaluated: 2016-10-05. Review status: criteria provided, single submitter. Criteria: GeneDx Variant Classification (06012015). Collection method: clinical testing. Allele origin: germline. Affected: yes.
Comment: The c.2791_2800del10 variant in the NF1 gene has not been reported previously as a pathogenic variant nor as a benign variant, to our knowledge. The c.2791_2800del10 variant causes a frameshift starting with codon Proline 931, changes this amino acid to a Leucine residue, and creates a premature Stop codon at position 4 of the new reading frame, denoted p.Pro931LeufsX4. This variant is predicted to cause loss of normal protein function either through protein truncation or nonsense-mediated mRNA decay. The c.2791_2800del10 variant was not observed in approximately 6500 individuals of European and African American ancestry in the NHLBI Exome Sequencing Project, indicating it is not a common benign variant in these populations. The c.2791_2800del10 variant is a strong candidate for a pathogenic variant, however the possibility it may be a rare benign variant cannot be excluded.

NM_001042492.3(NF1):c.2791_2800del (p.Pro931fs)

Gene: NF1 (neurofibromin 1; plus strand). Cytogenetic location: 17q11.2.
Variant type: Deletion.
Coding change: c.2791_2800del on transcript NM_001042492.3 (MANE Select); coding-DNA positions 2791 to 2800, 10 bases deleted (CCAATGCTAT; older notation c.2791_2800delCCAATGCTAT).
Protein change: p.Pro931fs; shifts the reading frame from proline 931.
Molecular consequence: frameshift variant.
Genome position (GRCh38, 1-based): chr17:31,229,406-31,229,415, CCAATGCTAT deleted; deleting any 10 consecutive bases within chr17:31,229,403-31,229,415 gives the same sequence; the c. name uses the placement nearest the transcript's 3' end. VCF-style (leftmost placement, unchanged base first): chr17-31229402-GTATCCAATGC-G. GRCh37 (hg19) VCF-style: chr17-29556420-GTATCCAATGC-G.
Other names: c.2791_2800delCCAATGCTAT (NM_000267.3); c.2791_2800delCCAATGCTAT, p.Pro931Leufs (NM_000267.4); short protein forms P931fs.
Identifiers: ClinVar variation 422360 (VCV000422360.2), dbSNP rs1064795730, ClinGen allele CA16620363.
Genomic context (GRCh38, chr17:31,229,402, plus strand): 5'-GGGACTTCAAATACGGACCAATGTTAAGGATCTGGTGGGTCTAGAATTGAGTCCTGCTCT[GTATCCAATGC>G]TATTTAACAAATTGAAGAATACCATCAGCAAGTTTTTTGACTCCCAAGGACAGGTAAAGT-3'